The following is an entry in ClinVar:

NM_014908.4(DOLK):c.529C>T (p.Leu177Phe)

Gene: DOLK (dolichol kinase; minus strand). Cytogenetic location: 9q34.11.
Variant type: single nucleotide variant.
Coding change: c.529C>T on transcript NM_014908.4 (MANE Select); coding-DNA position 529, C replaced by T.
Protein change: p.Leu177Phe; replaces leucine 177 with phenylalanine.
Molecular consequence: missense variant.
Genome position (GRCh38, 1-based): chr9:128,946,775, G>A on the plus strand (C>T on the coding strand, the complement: DOLK is on the minus strand). VCF-style: chr9-128946775-G-A. GRCh37 (hg19) VCF-style: chr9-131709054-G-A.
Other names: short protein forms L177F.
Identifiers: ClinVar variation 2563480 (VCV002563480.2), dbSNP rs2492004771, ClinGen allele CA375125177.

ClinVar aggregate classification (germline): Uncertain significance (1 of 4 stars; one submission).

Conditions:
Cardiovascular phenotype. Identifiers: MedGen CN230736.

Allele frequency attached by ClinVar (database versions not stated): gnomAD exomes below 0.00001.
gnomAD v4.1: 1 of 1,613,990 alleles (0.000062%); highest among the groups gnomAD compares: African/African-American, 0.0013%; no homozygotes.

Submission:

Ambry Genetics
Classification: Uncertain significance for Cardiovascular phenotype. Last evaluated: 2023-06-05. Review status: criteria provided, single submitter. Criteria: Ambry Variant Classification Scheme 2023. Collection method: clinical testing. Allele origin: germline.
Comment: The p.L177F variant (also known as c.529C>T), located in coding exon 1 of the DOLK gene, results from a C to T substitution at nucleotide position 529. The leucine at codon 177 is replaced by phenylalanine, an amino acid with highly similar properties. This amino acid position is conserved. In addition, this alteration is predicted to be deleterious by in silico analysis. Since supporting evidence is limited at this time, the clinical significance of this alteration remains unclear.